The following is an entry in ClinVar:

ClinVar aggregate classification (germline): Benign/Likely benign. Review status: criteria provided, multiple submitters, no conflicts (2 of 4 stars). 4 submissions from 4 submitters: Benign (1); Likely benign (3). Last evaluated 2026-01-13.

Conditions:
CACNA1D-related disorder.

Allele frequency attached by ClinVar (database versions not stated): TOPMed 0.00002; gnomAD 0.00015 and 0.00001; gnomAD exomes 0.00017 and 0.00038; ExAC 0.00047; 1000 Genomes Project 30x 0.00109; 1000 Genomes Project 0.00140.
gnomAD v4.1: 281 of 1,569,040 alleles (0.018%); highest among the groups gnomAD compares: South Asian, 0.28%; 3 homozygotes.

Submissions (4):

PreventionGenetics, part of Exact Sciences
Classification: Likely benign for CACNA1D-related condition. Last evaluated: 2026-01-13. Review status: criteria provided, single submitter. Criteria: ACMG Guidelines, 2015. Collection method: clinical testing. Allele origin: germline.
Comment: This variant is classified as likely benign based on ACMG/AMP sequence variant interpretation guidelines (Richards et al. 2015 PMID: 25741868, with internal and published modifications).

Labcorp Genetics (formerly Invitae), Labcorp
Classification: Benign. Last evaluated: 2025-12-29. Review status: criteria provided, single submitter. Criteria: Invitae Variant Classification Sherloc (09022015). Collection method: clinical testing. Allele origin: germline.

Blueprint Genetics
Classification: Likely benign. Last evaluated: 2024-01-09. Review status: criteria provided, single submitter. Criteria: ACMG Guidelines, 2015. Collection method: clinical testing. Allele origin: germline.

GeneDx
Classification: Likely benign. Last evaluated: 2019-01-30. Review status: criteria provided, single submitter. Criteria: GeneDx Variant Classification Process June 2021. Collection method: clinical testing. Allele origin: germline. Affected: yes.

NM_001128840.3(CACNA1D):c.3676-6C>T

Gene: CACNA1D (calcium voltage-gated channel subunit alpha1 D; plus strand). Cytogenetic location: 3p21.1.
Variant type: single nucleotide variant.
Coding change: c.3676-6C>T on transcript NM_001128840.3 (MANE Select); 6 bases into the intron before coding-DNA position 3676, C replaced by T.
Molecular consequence: intron variant.
Genome position (GRCh38, 1-based): chr3:53,753,566, C>T. VCF-style: chr3-53753566-C-T. GRCh37 (hg19) VCF-style: chr3-53787593-C-T.
Other names: c.3676-6C>T (NM_001128839.3); c.3736-6C>T (NM_000720.4).
Identifiers: ClinVar variation 730539 (VCV000730539.12), dbSNP rs536823643, ClinGen allele CA2454648.